The following is an entry in ClinVar:

NM_000179.3(MSH6):c.*4_*6dup

Gene: MSH6 (mutS homolog 6; plus strand). Cytogenetic location: 2p16.3.
Variant type: Duplication.
Coding change: c.*4_*6dup on transcript NM_000179.3 (MANE Select); 4 bases downstream of the stop codon through 6 bases downstream of the stop codon, 3 bases duplicated (GAC; older notation c.*4_*6dupGAC).
Molecular consequence: 3 prime UTR variant.
Genome position (GRCh38, 1-based): chr2:47,806,864-47,806,866, GAC duplicated. VCF-style (leftmost placement, unchanged base first): chr2-47806863-T-TGAC. GRCh37 (hg19) VCF-style: chr2-48034002-T-TGAC.
Other names: c.*4_*6dup (NM_001281492.2, NM_001281493.2, NM_001281494.2); c.*4_*6dupGAC (NM_000179.2).
Identifiers: ClinVar variation 420211 (VCV000420211.7), dbSNP rs1451012329, ClinGen allele CA16617731.

ClinVar aggregate classification (germline): Conflicting classifications of pathogenicity. Review status: criteria provided, conflicting classifications (1 of 4 stars). 5 submissions from 5 submitters: Uncertain significance (1); Benign (1); Likely benign (2). 1 of the submissions does not count toward it. Last evaluated 2025-01-09.

Conditions:
MSH6-related disorder. Also called: MSH6-related condition; MSH6-Related disorders.
Hereditary cancer-predisposing syndrome. Also called: Hereditary neoplastic syndrome; Tumor predisposition; Neoplastic Syndromes, Hereditary; Hereditary Cancer Syndrome. Identifiers: Orphanet 140162, MedGen C0027672, MeSH D009386, MONDO:0015356.
Lynch syndrome 5 (LYNCH5). Also called: Hereditary non-polyposis colorectal cancer, type 5; Colorectal cancer, hereditary nonpolyposis, type 5. Identifiers: Orphanet 144, MedGen C1833477, MONDO:0013710, OMIM 614350. Disease mechanism: loss of function.

Allele frequency attached by ClinVar (database versions not stated): gnomAD exomes below 0.00001; TOPMed below 0.00001; gnomAD 0.00001.

Submissions (5):

Myriad Genetics, Inc.
Classification: Benign for Lynch syndrome 5. Last evaluated: 2025-01-09. Review status: criteria provided, single submitter. Criteria: Myriad Autosomal Dominant, Autosomal Recessive and X-Linked Classification Criteria (2023). Collection method: clinical testing. Allele origin: unknown.
Comment: This variant is considered benign. This variant occurs in the non-coding 3' untranslated region of the gene, and is not expected to impact protein function.

Quest Diagnostics Nichols Institute San Juan Capistrano
Classification: Uncertain significance. Last evaluated: 2019-12-13. Review status: criteria provided, single submitter. Criteria: Quest Diagnostics criteria. Collection method: clinical testing. Allele origin: unknown.

GeneDx
Classification: Likely benign. Last evaluated: 2017-03-27. Review status: criteria provided, single submitter. Criteria: GeneDx Variant Classification (06012015). Collection method: clinical testing. Allele origin: germline. Affected: yes.
Comment: This variant is considered likely benign or benign based on one or more of the following criteria: it is a conservative change, it occurs at a poorly conserved position in the protein, it is predicted to be benign by multiple in silico algorithms, and/or has population frequency not consistent with disease.

Color Diagnostics, LLC DBA Color Health
Classification: Likely benign for Hereditary cancer-predisposing syndrome. Last evaluated: 2016-11-30. Review status: criteria provided, single submitter. Criteria: ACMG Guidelines, 2015. Collection method: clinical testing. Allele origin: germline.

PreventionGenetics, part of Exact Sciences
Classification: Likely benign for MSH6-related condition. Last evaluated: 2020-04-28. Review status: no assertion criteria provided. Collection method: clinical testing. Allele origin: germline. Not counted in ClinVar's aggregate classification.
Comment: This variant is classified as likely benign based on ACMG/AMP sequence variant interpretation guidelines (Richards et al. 2015 PMID: 25741868, with internal and published modifications).